The following is an entry in ClinVar:

NM_000038.6(APC):c.6499A>G (p.Ile2167Val)

Gene: APC (APC regulator of Wnt signaling pathway; plus strand). Cytogenetic location: 5q22.2.
Variant type: single nucleotide variant.
Coding change: c.6499A>G on transcript NM_000038.6 (MANE Select); coding-DNA position 6499, A replaced by G.
Protein change: p.Ile2167Val; replaces isoleucine 2167 with valine.
Molecular consequence: missense variant.
Genome position (GRCh38, 1-based): chr5:112,842,093, A>G. VCF-style: chr5-112842093-A-G. GRCh37 (hg19) VCF-style: chr5-112177790-A-G.
Other names: c.6499A>G, p.Ile2167Val (NM_001127510.3, NM_001354895.2); c.6445A>G, p.Ile2149Val (NM_001127511.3); c.6553A>G, p.Ile2185Val (NM_001354896.2); c.6529A>G, p.Ile2177Val (NM_001354897.2); c.6424A>G, p.Ile2142Val (NM_001354898.2); c.6415A>G, p.Ile2139Val (NM_001354899.2); c.6376A>G, p.Ile2126Val (NM_001354900.2); c.6322A>G, p.Ile2108Val (NM_001354901.2); and 5 more; short protein forms I2167V, I2149V, I2066V, I2108V, I2041V, I1884V, I2076V, I2126V.
Identifiers: ClinVar variation 570568 (VCV000570568.16), dbSNP rs757567894, ClinGen allele CA045086.

ClinVar aggregate classification (germline): Uncertain significance. Review status: criteria provided, multiple submitters, no conflicts (2 of 4 stars). 6 submissions from 6 submitters: Uncertain significance (6). Last evaluated 2026-02-03.

Conditions:
Hereditary cancer-predisposing syndrome. Also called: Hereditary neoplastic syndrome; Tumor predisposition; Neoplastic Syndromes, Hereditary; Hereditary Cancer Syndrome. Identifiers: Orphanet 140162, MedGen C0027672, MeSH D009386, MONDO:0015356.
Familial adenomatous polyposis 1 (FAP1). Also called: POLYPOSIS, ADENOMATOUS INTESTINAL; FAMILIAL ADENOMATOUS POLYPOSIS 1, ATTENUATED. Identifiers: MedGen C2713442, MONDO:0021056, OMIM 175100. Disease mechanism: loss of function.
Classic or attenuated familial adenomatous polyposis. Identifiers: MedGen CN372698, MONDO:0021057.

Allele frequency attached by ClinVar (database versions not stated): gnomAD exomes below 0.00001; ExAC 0.00001; gnomAD 0.00001 and 0.00002; TOPMed 0.00001.
gnomAD v4.1: 2 of 1,611,156 alleles (0.00012%); highest among the groups gnomAD compares: African/African-American, 0.0027%; no homozygotes.

Submissions (6):

Labcorp Genetics (formerly Invitae), Labcorp
Classification: Uncertain significance for Familial adenomatous polyposis 1. Last evaluated: 2026-02-03. Review status: criteria provided, single submitter. Criteria: Invitae Variant Classification Sherloc (09022015). Collection method: clinical testing. Allele origin: germline.
Comment: This sequence change replaces isoleucine, which is neutral and non-polar, with valine, which is neutral and non-polar, at codon 2167 of the APC protein (p.Ile2167Val). This variant is present in population databases (rs757567894, gnomAD 0.007%). This variant has not been reported in the literature in individuals affected with APC-related conditions. ClinVar contains an entry for this variant (Variation ID: 570568). Invitae Evidence Modeling of protein sequence and biophysical properties (such as structural, functional, and spatial information, amino acid conservation, physicochemical variation, residue mobility, and thermodynamic stability) indicates that this missense variant is not expected to disrupt APC protein function with a negative predictive value of 95%. In summary, the available evidence is currently insufficient to determine the role of this variant in disease. Therefore, it has been classified as a Variant of Uncertain Significance.

All of Us Research Program, National Institutes of Health
Classification: Uncertain significance for Classic or attenuated familial adenomatous polyposis. Last evaluated: 2024-06-11. Review status: criteria provided, single submitter. Criteria: ACMG Guidelines, 2015. Collection method: clinical testing. Allele origin: germline. Inheritance: Autosomal dominant inheritance. Observed: 1 variant allele, 1 heterozygote.
Comment: This study involves interpretation of variants in research participants for the purpose of population health screening. Participant phenotype was not available at the time of variant classification. Additional details can be found in publication PMID: 35346344, PMCID: PMC8962531

Ambry Genetics
Classification: Uncertain significance for Hereditary cancer-predisposing syndrome. Last evaluated: 2024-06-09. Review status: criteria provided, single submitter. Criteria: Ambry Variant Classification Scheme 2023. Collection method: clinical testing. Allele origin: germline.
Comment: The p.I2167V variant (also known as c.6499A>G), located in coding exon 15 of the APC gene, results from an A to G substitution at nucleotide position 6499. The isoleucine at codon 2167 is replaced by valine, an amino acid with highly similar properties. This amino acid position is highly conserved in available vertebrate species. In addition, in silico predictors for this gene do not accurately predict pathogenicity. Since supporting evidence is limited at this time, the clinical significance of this alteration remains unclear.

Baylor Genetics
Classification: Uncertain significance for Familial adenomatous polyposis 1. Last evaluated: 2024-03-25. Review status: criteria provided, single submitter. Criteria: ACMG Guidelines, 2015. Collection method: clinical testing. Allele origin: unknown.

GeneDx
Classification: Uncertain significance. Last evaluated: 2023-10-03. Review status: criteria provided, single submitter. Criteria: GeneDx Variant Classification Process June 2021. Collection method: clinical testing. Allele origin: germline. Affected: yes.
Comment: Not observed at significant frequency in large population cohorts (gnomAD); In silico analysis supports that this missense variant does not alter protein structure/function; Has not been previously published as pathogenic or benign to our knowledge

Mendelics
Classification: Uncertain significance for Familial adenomatous polyposis 1. Last evaluated: 2019-05-28. Review status: criteria provided, single submitter. Criteria: Mendelics Assertion Criteria 2017. Collection method: clinical testing. Allele origin: unknown.